The following is an entry in ClinVar:

ClinVar aggregate classification (germline): Benign/Likely benign. Review status: criteria provided, multiple submitters, no conflicts (2 of 4 stars). 5 submissions from 5 submitters: Benign (1); Likely benign (3). 1 of the submissions does not count toward it. Last evaluated 2025-03-04.

Conditions:
Hereditary nonpolyposis colon cancer (HNPCC). Also called: Hereditary Nonpolyposis Colorectal Cancer Syndrome; Hereditary nonpolyposis colorectal cancer; Familial nonpolyposis colon cancer. Identifiers: Orphanet 443909, MedGen C1333990, MONDO:0018630. Disease mechanism: loss of function.
Hereditary nonpolyposis colorectal neoplasms. Identifiers: MedGen C0009405, MeSH D003123.
Lynch syndrome 5 (LYNCH5). Also called: Colorectal cancer, hereditary nonpolyposis, type 5; Hereditary non-polyposis colorectal cancer, type 5. Identifiers: Orphanet 144, MedGen C1833477, MONDO:0013710, OMIM 614350. Disease mechanism: loss of function.

Submissions (5):

Center for Genomic Medicine, Rigshospitalet, Copenhagen University Hospital
Classification: Likely benign. Last evaluated: 2025-03-04. Review status: criteria provided, single submitter. Criteria: ACMG Guidelines, 2015. Collection method: clinical testing. Allele origin: germline.

Mendelics
Classification: Benign for Hereditary nonpolyposis colon cancer. Last evaluated: 2023-08-22. Review status: criteria provided, single submitter. Criteria: Mendelics Assertion Criteria 2019. Collection method: clinical testing. Allele origin: germline.

Labcorp Genetics (formerly Invitae), Labcorp
Classification: Likely benign for Hereditary nonpolyposis colorectal neoplasms. Last evaluated: 2022-11-28. Review status: criteria provided, single submitter. Criteria: Invitae Variant Classification Sherloc (09022015). Collection method: clinical testing. Allele origin: germline.

GeneDx
Classification: Likely benign. Last evaluated: 2020-05-22. Review status: criteria provided, single submitter. Criteria: GeneDx Variant Classification Process June 2021. Collection method: clinical testing. Allele origin: germline. Affected: yes.
Comment: This variant is associated with the following publications: (PMID: 30238922)

Counsyl
Classification: Likely benign for Lynch syndrome 5. Last evaluated: 2016-09-21. Review status: no assertion criteria provided. Collection method: clinical testing. Allele origin: unknown. Not counted in ClinVar's aggregate classification.

Literature cited by the submitters: PubMed 10537275 (cited by Counsyl).

NM_000179.3(MSH6):c.4001+27TAAC[3]

Gene: MSH6 (mutS homolog 6; plus strand). Cytogenetic location: 2p16.3.
Variant type: Microsatellite.
Coding change: c.4001+27TAAC[3] on transcript NM_000179.3 (MANE Select); three copies in a row of the 4-base unit TAAC starting at c.4001+27.
Molecular consequence: intron variant.
Genome position: GRCh38 VCF-style: chr2-47806677-A-ATAAC. GRCh37 (hg19) VCF-style: chr2-48033816-A-ATAAC.
Other names: c.3095+27TAAC[3] (NM_001281493.2, NM_001281494.2); c.3611+27TAAC[3] (NM_001281492.2); c.4001+32_4001+35dupAACT (NM_000179.2, NM_000179.3); c.4001+32_4001+35dup (NM_000179.2).
Identifiers: ClinVar variation 89502 (VCV000089502.20), dbSNP rs267608136, ClinGen allele CA015151.